The following is an entry in ClinVar:

ClinVar aggregate classification (germline): Likely benign. Review status: criteria provided, single submitter (1 of 4 stars). 2 submissions from 2 submitters: Likely benign (1). 1 of the submissions does not count toward it. Last evaluated 2025-12-13.

Conditions:
CCDC88C-related disorder. Also called: CCDC88C-Related Disorders; CCDC88C-related condition.

Allele frequency attached by ClinVar (database versions not stated): gnomAD 0.00007; TOPMed 0.00015.
gnomAD v4.1: 28 of 1,613,252 alleles (0.0017%); highest among the groups gnomAD compares: African/African-American, 0.032%; 1 homozygote.

Submissions (2):

Labcorp Genetics (formerly Invitae), Labcorp
Classification: Likely benign. Last evaluated: 2025-12-13. Review status: criteria provided, single submitter. Criteria: Invitae Variant Classification Sherloc (09022015). Collection method: clinical testing. Allele origin: germline.

PreventionGenetics, part of Exact Sciences
Classification: Likely benign for CCDC88C-related condition. Last evaluated: 2019-06-27. Review status: no assertion criteria provided. Collection method: clinical testing. Allele origin: germline. Not counted in ClinVar's aggregate classification.
Comment: This variant is classified as likely benign based on ACMG/AMP sequence variant interpretation guidelines (Richards et al. 2015 PMID: 25741868, with internal and published modifications).

NM_001080414.4(CCDC88C):c.3520C>T (p.Leu1174=)

Gene: CCDC88C (coiled-coil and HOOK domain protein 88C; minus strand). Cytogenetic location: 14q32.11.
Variant type: single nucleotide variant.
Coding change: c.3520C>T on transcript NM_001080414.4 (MANE Select); coding-DNA position 3520, C replaced by T.
Protein change: p.Leu1174=; no amino-acid change (leucine 1174 retained).
Molecular consequence: synonymous variant.
Genome position (GRCh38, 1-based): chr14:91,303,816, G>A on the plus strand (C>T on the coding strand, the complement: CCDC88C is on the minus strand). VCF-style: chr14-91303816-G-A. GRCh37 (hg19) VCF-style: chr14-91770160-G-A.
Other names: c.3520C>T (NM_001080414.3).
Identifiers: ClinVar variation 3017675 (VCV003017675.5), dbSNP rs755883130, ClinGen allele CA7309311.